The following is an entry in ClinVar:

NM_201384.3(PLEC):c.8273T>G (p.Val2758Gly)

Gene: PLEC (plectin; minus strand). Cytogenetic location: 8q24.3.
Variant type: single nucleotide variant.
Coding change: c.8273T>G on transcript NM_201384.3 (MANE Select); coding-DNA position 8273, T replaced by G.
Protein change: p.Val2758Gly; replaces valine 2758 with glycine.
Molecular consequence: missense variant.
Genome position (GRCh38, 1-based): chr8:143,921,548, A>C on the plus strand (T>G on the coding strand, the complement: PLEC is on the minus strand). VCF-style: chr8-143921548-A-C. GRCh37 (hg19) VCF-style: chr8-144995716-A-C.
Other names: c.8354T>G, p.Val2785Gly (NM_000445.5); c.8231T>G, p.Val2744Gly (NM_201378.4); c.8207T>G, p.Val2736Gly (NM_201379.3); c.8684T>G, p.Val2895Gly (NM_201380.4); c.8177T>G, p.Val2726Gly (NM_201381.3); c.8273T>G, p.Val2758Gly (NM_201382.4); c.8285T>G, p.Val2762Gly (NM_201383.3); short protein forms V2744G, V2758G, V2762G, V2726G, V2736G, V2785G, V2895G.
Identifiers: ClinVar variation 1498956 (VCV001498956.8), dbSNP rs2131176278, ClinGen allele CA372516648.

ClinVar aggregate classification (germline): Uncertain significance (1 of 4 stars; one submission).

Conditions:
Epidermolysis bullosa simplex 5B, with muscular dystrophy (EBS5B). Also called: Epidermolysis bullosa simplex with muscular dystrophy; EPIDERMOLYSIS BULLOSA SIMPLEX AND LIMB-GIRDLE MUSCULAR DYSTROPHY. Identifiers: Orphanet 257, MedGen C2931072, MONDO:0009181, OMIM 226670.
Autosomal recessive limb-girdle muscular dystrophy type 2Q (LGMDR17). Also called: MUSCULAR DYSTROPHY, LIMB-GIRDLE, AUTOSOMAL RECESSIVE 17. Identifiers: Orphanet 254361, MedGen C3150989, MONDO:0013390, OMIM 613723.
Epidermolysis bullosa simplex with nail dystrophy (EBS5D). Identifiers: MedGen C4225309, MONDO:0014661, OMIM 616487.
Epidermolysis bullosa simplex 5C, with pyloric atresia (EBS5C). Also called: Epidermolysis bullosa simplex with pyloric atresia; PLEC-Related Epidermolysis Bullosa with Pyloric Atresia; PLEC1-Related Epidermolysis Bullosa with Pyloric Atresia. Identifiers: Orphanet 158684, MedGen C2677349, MONDO:0012807, OMIM 612138.
Epidermolysis bullosa simplex, Ogna type (EBS5A). Also called: EPIDERMOLYSIS BULLOSA SIMPLEX 5A, OGNA TYPE; Pidermolysis bullosa simplex 5A, Ogna type. Identifiers: Orphanet 79401, MedGen C0432317, MONDO:0007555, OMIM 131950.

Submission:

Labcorp Genetics (formerly Invitae), Labcorp
Classification: Uncertain significance for Autosomal recessive limb-girdle muscular dystrophy type 2Q; Epidermolysis bullosa simplex, Ogna type; Epidermolysis bullosa simplex with nail dystrophy; Epidermolysis bullosa simplex 5C, with pyloric atresia; Epidermolysis bullosa simplex 5B, with muscular dystrophy. Last evaluated: 2021-06-15. Review status: criteria provided, single submitter. Criteria: Invitae Variant Classification Sherloc (09022015). Collection method: clinical testing. Allele origin: germline.
Comment: In summary, the available evidence is currently insufficient to determine the role of this variant in disease. Therefore, it has been classified as a Variant of Uncertain Significance. Algorithms developed to predict the effect of missense changes on protein structure and function (SIFT, PolyPhen-2, Align-GVGD) all suggest that this variant is likely to be disruptive, but these predictions have not been confirmed by published functional studies and their clinical significance is uncertain. This variant has not been reported in the literature in individuals with PLEC-related conditions. This variant is not present in population databases (ExAC no frequency). This sequence change replaces valine with glycine at codon 2785 of the PLEC protein (p.Val2785Gly). The valine residue is highly conserved and there is a moderate physicochemical difference between valine and glycine.